The following is an entry in ClinVar:

ClinVar aggregate classification (germline): Conflicting classifications of pathogenicity. Review status: criteria provided, conflicting classifications (1 of 4 stars). 4 submissions from 4 submitters: Pathogenic (1); Uncertain significance (3). Last evaluated 2025-09-10.

Conditions:
Autosomal recessive nonsyndromic hearing loss 3. Also called: NEUROSENSORY NONSYNDROMIC RECESSIVE DEAFNESS 3. Identifiers: Orphanet 90636, MedGen C1838263, MONDO:0010860, OMIM 600316.

Allele frequency attached by ClinVar (database versions not stated): gnomAD 0.00001 and 0.00007; TOPMed 0.00002; gnomAD exomes 0.00011 and 0.00015; ExAC 0.00021; 1000 Genomes Project 0.00040; 1000 Genomes Project 30x 0.00047.
gnomAD v4.1: 172 of 1,614,000 alleles (0.011%); highest among the groups gnomAD compares: Middle Eastern, 0.2%; 4 homozygotes.

Submissions (4):

GeneDx
Classification: Uncertain significance. Last evaluated: 2025-09-10. Review status: criteria provided, single submitter. Criteria: GeneDx Variant Classification Process June 2021. Collection method: clinical testing. Allele origin: germline. Affected: yes.
Comment: Identified in a patient with autosomal recessive hearing loss in published literature (PMID: 26969326); In silico analysis supports that this missense variant has a deleterious effect on protein structure/function; This variant is associated with the following publications: (PMID: 35346193, 26969326)

Blueprint Genetics
Classification: Uncertain significance. Last evaluated: 2024-09-30. Review status: criteria provided, single submitter. Criteria: ACMG Guidelines, 2015. Collection method: clinical testing. Allele origin: germline.

Laboratory of Prof. Karen Avraham, Tel Aviv University
Classification: Pathogenic for Autosomal recessive nonsyndromic hearing loss 3. Last evaluated: 2024-06-04. Review status: criteria provided, single submitter. Criteria: ACMG Guidelines, 2015. Collection method: research. Allele origin: germline. Affected: yes. Observed: 1 variant allele.
Comment: Pathgenic by Deafness Variation Database according to PMID:26969326

DFNB3: high-tone normal-to-moderate HL

Breakthrough Genomics
Classification: Uncertain significance. Review status: criteria provided, single submitter. Criteria: ACMG Guidelines, 2015. Collection method: not provided. Allele origin: germline. Inheritance: Autosomal recessive inheritance. Affected: yes.

NM_016239.4(MYO15A):c.5141A>T (p.Lys1714Met)

Gene: MYO15A (myosin XVA; plus strand). Cytogenetic location: 17p11.2.
Variant type: single nucleotide variant.
Coding change: c.5141A>T on transcript NM_016239.4 (MANE Select); coding-DNA position 5141, A replaced by T.
Protein change: p.Lys1714Met; replaces lysine 1714 with methionine.
Molecular consequence: missense variant.
Genome position (GRCh38, 1-based): chr17:18,139,541, A>T. VCF-style: chr17-18139541-A-T. GRCh37 (hg19) VCF-style: chr17-18042855-A-T.
Other names: short protein forms K1714M.
Identifiers: ClinVar variation 1303341 (VCV001303341.6), dbSNP rs529797013, ClinGen allele CA8424161.